The following is an entry in ClinVar:

ClinVar aggregate classification (germline): Benign/Likely benign. Review status: criteria provided, multiple submitters, no conflicts (2 of 4 stars). 18 submissions from 16 submitters: Benign (13); Likely benign (1). 4 of the submissions do not count toward it. Last evaluated 2026-02-04.

Conditions:
Congenital multicore myopathy with external ophthalmoplegia (CMYO1B). Also called: MULTIMINICORE DISEASE WITH EXTERNAL OPHTHALMOPLEGIA; MULTICORE MYOPATHY; Minicore myopathy with external ophthalmoplegia; Congenital myopathy 1B, autosomal recessive; Minicore myopathy. Identifiers: Orphanet 598, Orphanet 98905, MedGen C1850674, MONDO:0009712, OMIM 255320, HP:0003789.
Malignant hyperthermia, susceptibility to, 1 (MHS1). Also called: Malignant hyperthermia suceptibility 1; Anesthesia related hyperthermia; Malignant hyperpyrexia; Fulminating hyperpyrexia; Pharmacogenic myopathy; RYR1-Related Malignant Hyperthermia Susceptibility. Identifiers: Orphanet 423, MedGen C2930980, MONDO:0007783, OMIM 145600.
Central core myopathy (CMYO1A). Also called: CONGENITAL MYOPATHY 1A, AUTOSOMAL DOMINANT, WITH SUSCEPTIBILITY TO MALIGNANT HYPERTHERMIA; Central core disease; Myopathy, central fibrillar. Identifiers: Orphanet 597, MedGen C5830701, MONDO:0007294, OMIM 117000.
RYR1-related disorder. Also called: RYR1-related condition; RYR1-related disorders. Identifiers: MedGen CN239331.

Allele frequency attached by ClinVar (database versions not stated): 1000 Genomes Project 30x 0.02920; 1000 Genomes Project 0.02975; TOPMed 0.03549; ESP Exome Variant Server 0.03731; ExAC 0.05620.
gnomAD v4.1: 67,483 of 1,605,854 alleles (4.2%); highest among the groups gnomAD compares: Middle Eastern, 6.8%; 1,729 homozygotes.

Submissions (18):

Labcorp Genetics (formerly Invitae), Labcorp
Classification: Benign for RYR1-related disorder. Last evaluated: 2026-02-04. Review status: criteria provided, single submitter. Criteria: Invitae Variant Classification Sherloc (09022015). Collection method: clinical testing. Allele origin: germline.

Blueprint Genetics
Classification: Likely benign. Last evaluated: 2024-11-28. Review status: criteria provided, single submitter. Criteria: ACMG Guidelines, 2015. Collection method: clinical testing. Allele origin: germline.

Athena Diagnostics
Classification: Benign. Last evaluated: 2024-10-22. Review status: criteria provided, single submitter. Criteria: Athena Diagnostics Criteria. Collection method: clinical testing. Allele origin: unknown.

Color Diagnostics, LLC DBA Color Health
Classification: Benign for Malignant hyperthermia, susceptibility to, 1. Last evaluated: 2019-03-29. Review status: criteria provided, single submitter. Criteria: ACMG Guidelines, 2015. Collection method: clinical testing. Allele origin: germline.

PreventionGenetics, part of Exact Sciences
Classification: Benign. Last evaluated: 2018-03-29. Review status: criteria provided, single submitter. Criteria: ACMG Guidelines, 2015. Collection method: clinical testing. Allele origin: germline.

Illumina Laboratory Services, Illumina
Classification: Benign for Congenital multicore myopathy with external ophthalmoplegia. Last evaluated: 2018-01-12. Review status: criteria provided, single submitter. Criteria: ICSL Variant Classification Criteria 13 December 2019. Collection method: clinical testing. Allele origin: germline.
Comment: This variant was observed in the ICSL laboratory as part of a predisposition screen in an ostensibly healthy population. It had not been previously curated by ICSL or reported in the Human Gene Mutation Database (HGMD: prior to June 1st, 2018), and was therefore a candidate for classification through an automated scoring system. Utilizing variant allele frequency, disease prevalence and penetrance estimates, and inheritance mode, an automated score was calculated to assess if this variant is too frequent to cause the disease. Based on the score and internal cut-off values, a variant classified as benign is not then subjected to further curation. The score for this variant resulted in a classification of benign for this disease.

Illumina Laboratory Services, Illumina
Classification: Benign for Central core myopathy. Last evaluated: 2018-01-12. Review status: criteria provided, single submitter. Criteria: ICSL Variant Classification Criteria 13 December 2019. Collection method: clinical testing. Allele origin: germline.
Comment: the same text as in the submission from Illumina Laboratory Services, Illumina above.

Illumina Laboratory Services, Illumina
Classification: Benign for Malignant hyperthermia, susceptibility to, 1. Last evaluated: 2018-01-12. Review status: criteria provided, single submitter. Criteria: ICSL Variant Classification Criteria 13 December 2019. Collection method: clinical testing. Allele origin: germline.
Comment: the same text as in the submission from Illumina Laboratory Services, Illumina above.

Mayo Clinic Laboratories, Mayo Clinic
Classification: Benign. Last evaluated: 2017-08-24. Review status: criteria provided, single submitter. Criteria: ACMG Guidelines, 2015. Collection method: clinical testing. Allele origin: germline. Observed: 58 variant alleles.

GeneDx
Classification: Benign. Last evaluated: 2016-03-29. Review status: criteria provided, single submitter. Criteria: GeneDx Variant Classification (06012015). Collection method: clinical testing. Allele origin: germline. Affected: yes.
Comment: This variant is considered likely benign or benign based on one or more of the following criteria: it is a conservative change, it occurs at a poorly conserved position in the protein, it is predicted to be benign by multiple in silico algorithms, and/or has population frequency not consistent with disease.

Laboratory for Molecular Medicine, Mass General Brigham Personalized Medicine
Classification: Benign. Last evaluated: 2015-01-13. Review status: criteria provided, single submitter. Criteria: LMM Criteria. Collection method: clinical testing. Allele origin: germline. Observed: 2 variant alleles.
Comment: p.Asp3396Asp in exon 67 of RYR1: This variant is not expected to have clinical s ignificance because it does not alter an amino acid residue and is not located w ithin the splice consensus sequence. It has been identified in 4.9% (424/8600) o f European American chromosomes from a broad population by the NHLBI Exome Seque ncing Project (dbSNP rs2229145).

Eurofins Ntd Llc (ga)
Classification: Benign. Last evaluated: 2013-11-12. Review status: criteria provided, single submitter. Criteria: EGL Classification Definitions 2015. Collection method: clinical testing. Allele origin: germline. Observed: 4 variant alleles, 4 heterozygotes.

Genetic Services Laboratory, University of Chicago
Classification: Benign. Last evaluated: 2013-08-15. Review status: criteria provided, single submitter. Criteria: ACMG Guidelines, 2007. Collection method: clinical testing. Allele origin: germline. Inheritance: Autosomal unknown.

Breakthrough Genomics
Classification: Benign. Review status: criteria provided, single submitter. Criteria: ACMG Guidelines, 2015. Collection method: not provided. Allele origin: germline. Inheritance: Autosomal recessive inheritance. Affected: yes.

Department of Pathology and Laboratory Medicine, Sinai Health System
Classification: Uncertain significance. Review status: no assertion criteria provided. Collection method: clinical testing. Allele origin: unknown. Affected: yes. Study: The Canadian Open Genetics Repository (COGR). Not counted in ClinVar's aggregate classification.
Comment: Allele frequency is common in at least one population database (frequency: 17.256% in ExAC) based on the frequency threshold of 2.223% for this gene. Variant was observed in a homozygous state in population databases more than expected for disease. A synonymous variant not located in a splice region.

Joint Genome Diagnostic Labs from Nijmegen and Maastricht, Radboudumc and MUMC+
Classification: Benign. Review status: no assertion criteria provided. Collection method: clinical testing. Allele origin: germline. Affected: yes. Study: VKGL Data-share Consensus. Not counted in ClinVar's aggregate classification.

Laboratory of Diagnostic Genome Analysis, Leiden University Medical Center (LUMC)
Classification: Likely benign. Review status: no assertion criteria provided. Collection method: clinical testing. Allele origin: germline. Affected: yes. Study: VKGL Data-share Consensus. Not counted in ClinVar's aggregate classification.

RYR1 database
No classification provided. Review status: no classification provided. Collection method: not provided. Allele origin: unknown. Not counted in ClinVar's aggregate classification.

NM_000540.3(RYR1):c.10188C>T (p.Asp3396=)

Gene: RYR1 (ryanodine receptor 1; plus strand). Cytogenetic location: 19q13.2.
Variant type: single nucleotide variant.
Coding change: c.10188C>T on transcript NM_000540.3 (MANE Select); coding-DNA position 10188, C replaced by T.
Protein change: p.Asp3396=; no amino-acid change (aspartic acid 3396 retained).
Molecular consequence: synonymous variant.
Genome position (GRCh38, 1-based): chr19:38,519,383, C>T. VCF-style: chr19-38519383-C-T. GRCh37 (hg19) VCF-style: chr19-39010023-C-T.
Other names: p.Asp3396=; c.10188C>T, p.Asp3396= (NM_001042723.2).
Identifiers: ClinVar variation 93239 (VCV000093239.35), dbSNP rs2229145, ClinGen allele CA023820.